The following is an entry in ClinVar:

ClinVar aggregate classification (germline): Pathogenic/Likely pathogenic. Review status: criteria provided, multiple submitters, no conflicts (2 of 4 stars). 8 submissions from 8 submitters: Pathogenic (7); Likely pathogenic (1). Last evaluated 2025-04-01.

Conditions:
Cardiovascular phenotype. Identifiers: MedGen CN230736.
Arrhythmogenic right ventricular cardiomyopathy (ARVD). Also called: Arrhythmogenic right ventricular dysplasia; Arrhythmogenic cardiomyopathy; Arrhythmogenic Right Ventricular Cardiomyopathy (ARVC); Cardiomyopathy, ARVC. Identifiers: Orphanet 247, MedGen C0349788, MeSH D019571, MONDO:0016587. Disease mechanism: loss of function. Inheritance: Various modes of inheritance.
Cardiomyopathy (CMYO). Also called: Cardiomyopathies. Identifiers: Orphanet 167848, MedGen C0878544, MONDO:0004994, HP:0001638. Inheritance: Various modes of inheritance.
Arrhythmogenic right ventricular dysplasia 9 (ARVD9). Also called: ARRHYTHMOGENIC RIGHT VENTRICULAR DYSPLASIA, FAMILIAL, 9; Arrhythmogenic Right Ventricular Dysplasia/Cardiomyopathy 9. Identifiers: MedGen C1836906, MONDO:0012180, OMIM 609040.

Allele frequency attached by ClinVar (database versions not stated): gnomAD exomes below 0.00001.
gnomAD v4.1: 4 of 1,609,914 alleles (0.00025%); highest among the groups gnomAD compares: Non-Finnish European, 0.00034%; no homozygotes.

Submissions (8):

Labcorp Genetics (formerly Invitae), Labcorp
Classification: Pathogenic for Arrhythmogenic right ventricular dysplasia 9. Last evaluated: 2025-04-01. Review status: criteria provided, single submitter. Criteria: Invitae Variant Classification Sherloc (09022015). Collection method: clinical testing. Allele origin: germline.
Comment: This sequence change affects a donor splice site in intron 5 of the PKP2 gene. It is expected to disrupt RNA splicing. Variants that disrupt the donor or acceptor splice site typically lead to a loss of protein function (PMID: 16199547), and loss-of-function variants in PKP2 are known to be pathogenic (PMID: 15489853, 17041889, 23911551). This variant is present in population databases (rs397516994, gnomAD 0.0009%). Disruption of this splice site has been observed in individuals with arrhythmogenic right ventricular cardiomyopathy (ARVC) (PMID: 18662195, 20400443, 31386562). ClinVar contains an entry for this variant (Variation ID: 45022). Algorithms developed to predict the effect of sequence changes on RNA splicing suggest that this variant may disrupt the consensus splice site. For these reasons, this variant has been classified as Pathogenic.

All of Us Research Program, National Institutes of Health
Classification: Pathogenic for Arrhythmogenic right ventricular cardiomyopathy. Last evaluated: 2024-05-07. Review status: criteria provided, single submitter. Criteria: ACMG Guidelines, 2015. Collection method: clinical testing. Allele origin: germline. Inheritance: Autosomal dominant inheritance. Observed: 3 variant alleles, 3 heterozygotes.
Comment: The c.1378+1G>C intronic variant of the PKP2 gene is located at the canonical donor splice site of intron 5. This variant has been reported in numerous (>15) individuals with arrhythmogenic right ventricular cardiomyopathy (ARVC) (PMID: 27194543, 23810894, 23671136, 20400443, 33968641, 28588093, 30830208, 34469894, 30677492, 24704780, 23810883, 25820315). This variant was also identified in the proband, mother and brother in a family, while the mother and brother were asymptomatic carriers (PMID: 33238575). An alteration at the same position, c.1378+1G>A, has also been reported to cause ARVC (PMID:18662195). In-silico computational prediction tools suggest that the c.1378+1G>C variant likely leads to donor loss and disturbs normal splicing, resulting in an absent of disrupted protein product (PMID: 16199547). Loss of function variants are known to be pathogenic for PKP2 gene (PMID: 23911551, 15489853, 24704780, 29038103, 34120153). Loss of function variants downstream of this variant are reported to be pathogenic in multiple individuals with ARVC/D (PMID: 26701096, 15489853, 17010805, 19358943, 20152563) and classified as pathogenic by several ClinVar submitters (ClinVar ID: 517335, 202019, 202035). This variant is found to be rare (1/250730; 0.000003988) in the general population database, gnomAD and interpreted as pathogenic by several submitters in the ClinVar database (ClinVar ID: 45022). Therefore, the c.1378+1G>C variant in the PKP2 gene is classified as pathogenic.

This study involves interpretation of variants in research participants for the purpose of population health screening. Participant phenotype was not available at the time of variant classification. Additional details can be found in publication PMID: 35346344, PMCID: PMC8962531

Color Diagnostics, LLC DBA Color Health
Classification: Pathogenic for Cardiomyopathy. Last evaluated: 2024-04-16. Review status: criteria provided, single submitter. Criteria: ACMG Guidelines, 2015. Collection method: clinical testing. Allele origin: germline.
Comment: This variant causes a G to C nucleotide substitution at the +1 position of intron 5 of the PKP2 gene. Splice site prediction tools predict that this variant may have a significant impact on RNA splicing. Although this prediction has not been confirmed in published RNA studies, this variant is expected to result in an absent or disrupted protein product. This variant has been reported in over ten individuals affected with arrhythmogenic right ventricular cardiomyopathy/dysplasia (PMID: 20400443, 23671136, 24704780, 25820315, 27194543, 28588093, 30677492, 30790397, 30830208, 31386562, 33238575, 34469894, 35653365, 36008935), and in one individual affected with hypertrophic cardiomyopathy (PMID: 36291626). This variant has been identified in 1/250730 chromosomes in the general population by the Genome Aggregation Database (gnomAD). Loss of PKP2 function is a known mechanism of disease. Based on the available evidence, this variant is classified as Pathogenic.

Clinical Genomics Laboratory, Washington University in St. Louis
Classification: Pathogenic for Arrhythmogenic right ventricular dysplasia 9. Last evaluated: 2024-03-06. Review status: criteria provided, single submitter. Criteria: ACMG Guidelines, 2015. Collection method: clinical testing. Allele origin: germline. Affected: yes.
Comment: The PKP2 c.1378+1G>C variant has been reported in several individuals affected with ARVC (Costa S et al., PMID: 33238575; Fidler LM et al., PMID: 18662195; Fressart V et al., PMID: 20400443; Medeiros-Domingo A et al., PMID: 27194543; van Lint FHM et al., PMID: 31386562). This variant has been reported in the ClinVar database as a germline pathogenic or likely pathogenic variant by six submitters and is only observed on 1/250,730 alleles in the general population (gnomAD v.2.1.1), indicating it is not a common variant. Computational predictors indicate that this variant would alter splicing, evidence that correlates to an impact of this variant on PKP2 function. Additionally, another variant in the same nucleotide, c.1378+1G>A, has been described in an affected individual and is considered pathogenic (Fidler LM et al., PMID: 18662195, ClinVar Variation ID: 923177). Based on available information and the ACMG/AMP guidelines for variant interpretation (Richards S et al., PMID: 25741868), this variant is classified as pathogenic.

Ambry Genetics
Classification: Pathogenic for Cardiovascular phenotype. Last evaluated: 2021-09-17. Review status: criteria provided, single submitter. Criteria: Ambry Variant Classification Scheme 2023. Collection method: clinical testing. Allele origin: germline.
Comment: The c.1378+1G>C intronic pathogenic mutation results from a G to C substitution one nucleotide after coding exon 5 of the PKP2 gene. This mutation has been reported in individuals with arrhythmogenic right ventricular cardiomyopathy (ARVC) (Fressart V et al. Europace. 2010; 12:861-8; Bhonsale A et al. Circ Arrhythm Electrophysiol. 2013; 6:569-78; Medeiros-Domingo A et al. Europace, 2017 Jun;19:1063-1069; Hermida A et al. Eur J Heart Fail, 2019 06;21:792-800; Costa S et al. J Clin Med, 2020 Nov;9:). In addition, an alteration at the same position, c.1378+1G>A, has also been reported in association with ARVC (Fidler LM J et al. Cell Mol Med. 2009; 13:4219-28). This variant is considered to be rare based on population cohorts in the Genome Aggregation Database (gnomAD). In addition to the clinical data presented in the literature, alterations that disrupt the canonical splice site are expected to cause aberrant splicing, resulting in an abnormal protein or a transcript that is subject to nonsense-mediated mRNA decay. As such, this alteration is classified as a disease-causing mutation.

GeneDx
Classification: Pathogenic. Last evaluated: 2021-04-28. Review status: criteria provided, single submitter. Criteria: GeneDx Variant Classification Process June 2021. Collection method: clinical testing. Allele origin: germline. Affected: yes.
Comment: Canonical splice site variant in a gene for which loss-of-function is a known mechanism of disease AND Non-canonical splice site variant demonstrated to result in loss-of-function (ref); Not observed at a significant frequency in large population cohorts (Lek et al., 2016); This variant is associated with the following publications: (PMID: 23671136, 27194543, 20400443, 23810894, 23810883, 30790397, 31386562, 31402444, 33238575, 30677492, 33232181)

Institute of Medical Genetics and Applied Genomics, University Hospital Tübingen
Classification: Pathogenic. Last evaluated: 2020-10-23. Review status: criteria provided, single submitter. Criteria: ACMG Guidelines, 2015. Collection method: clinical testing. Allele origin: germline. Inheritance: Autosomal dominant inheritance. Affected: yes.

Laboratory for Molecular Medicine, Mass General Brigham Personalized Medicine
Classification: Likely pathogenic for Arrhythmogenic right ventricular cardiomyopathy. Last evaluated: 2010-08-09. Review status: criteria provided, single submitter. Criteria: LMM Criteria. Collection method: clinical testing. Allele origin: germline. Observed: 1 variant allele.

Literature cited by the submitters: PubMed 16199547 (cited by Labcorp Genetics (formerly Invitae), Labcorp and All of Us Research Program, National Institutes of Health); PubMed 15489853 (cited by Labcorp Genetics (formerly Invitae), Labcorp and All of Us Research Program, National Institutes of Health); PubMed 17041889 (cited by Labcorp Genetics (formerly Invitae), Labcorp); PubMed 23911551 (cited by Labcorp Genetics (formerly Invitae), Labcorp and All of Us Research Program, National Institutes of Health); PubMed 18662195 (cited by 4 submitters); PubMed 20400443 (cited by 5 submitters); PubMed 31386562 (cited by 3 submitters); PubMed 17010805 (cited by All of Us Research Program, National Institutes of Health); PubMed 19358943 (cited by All of Us Research Program, National Institutes of Health); PubMed 20152563 (cited by All of Us Research Program, National Institutes of Health); PubMed 23671136 (cited by 3 submitters); PubMed 23810883 (cited by All of Us Research Program, National Institutes of Health); PubMed 23810894 (cited by All of Us Research Program, National Institutes of Health and Ambry Genetics); PubMed 24704780 (cited by All of Us Research Program, National Institutes of Health and Color Diagnostics, LLC DBA Color Health); PubMed 25820315 (cited by All of Us Research Program, National Institutes of Health and Color Diagnostics, LLC DBA Color Health); PubMed 26701096 (cited by All of Us Research Program, National Institutes of Health); PubMed 27194543 (cited by 3 submitters); PubMed 28588093 (cited by All of Us Research Program, National Institutes of Health and Color Diagnostics, LLC DBA Color Health); PubMed 29038103 (cited by All of Us Research Program, National Institutes of Health); PubMed 30677492 (cited by All of Us Research Program, National Institutes of Health and Color Diagnostics, LLC DBA Color Health); PubMed 30830208 (cited by All of Us Research Program, National Institutes of Health and Color Diagnostics, LLC DBA Color Health); PubMed 33238575 (cited by 3 submitters); PubMed 33968641 (cited by All of Us Research Program, National Institutes of Health); PubMed 34120153 (cited by All of Us Research Program, National Institutes of Health); PubMed 34469894 (cited by All of Us Research Program, National Institutes of Health and Color Diagnostics, LLC DBA Color Health); PubMed 30790397 (cited by Color Diagnostics, LLC DBA Color Health and Ambry Genetics); PubMed 35653365 (cited by Color Diagnostics, LLC DBA Color Health); PubMed 36008935 (cited by Color Diagnostics, LLC DBA Color Health); PubMed 36291626 (cited by Color Diagnostics, LLC DBA Color Health); PubMed 31402444 (cited by Ambry Genetics); PubMed 33232181 (cited by Ambry Genetics).

NM_001005242.3(PKP2):c.1378+1G>C

Gene: PKP2 (plakophilin 2; minus strand). Cytogenetic location: 12p11.21.
Variant type: single nucleotide variant.
Coding change: c.1378+1G>C on transcript NM_001005242.3 (MANE Select); the canonical splice donor site of the intron after coding-DNA position 1378, G replaced by C.
Molecular consequence: splice donor variant.
Genome position (GRCh38, 1-based): chr12:32,850,765, C>G on the plus strand (G>C on the coding strand, the complement: PKP2 is on the minus strand). VCF-style: chr12-32850765-C-G. GRCh37 (hg19) VCF-style: chr12-33003699-C-G.
Other names: c.1378+1G>C (NM_001407156.1, NM_001407155.1, NM_004572.4 and 2 more transcripts); c.1051+1G>C (NM_001407160.1, NM_001407159.1, NM_001407158.1 and 1 more transcripts).
Identifiers: ClinVar variation 45022 (VCV000045022.21), dbSNP rs397516994, ClinGen allele CA011004.